The following is an entry in ClinVar:

NM_002519.3(NPAT):c.79T>A (p.Phe27Ile)

Gene: NPAT (nuclear protein, coactivator of histone transcription; minus strand). Cytogenetic location: 11q22.3.
Variant type: single nucleotide variant.
Coding change: c.79T>A on transcript NM_002519.3 (MANE Select); coding-DNA position 79, T replaced by A.
Protein change: p.Phe27Ile; replaces phenylalanine 27 with isoleucine.
Molecular consequence: missense variant.
Genome position (GRCh38, 1-based): chr11:108,197,379, A>T on the plus strand (T>A on the coding strand, the complement: NPAT is on the minus strand). VCF-style: chr11-108197379-A-T. GRCh37 (hg19) VCF-style: chr11-108068106-A-T.
Other names: c.79T>A, p.Phe27Ile (NM_001321307.1); short protein forms F27I.
Identifiers: ClinVar variation 2568011 (VCV002568011.2), dbSNP rs2496760202, ClinGen allele CA382528521.

ClinVar aggregate classification (germline): Uncertain significance (1 of 4 stars; one submission).

Submission:

Ambry Genetics
Classification: Uncertain significance. Last evaluated: 2023-05-23. Review status: criteria provided, single submitter. Criteria: Ambry Variant Classification Scheme 2023. Collection method: clinical testing. Allele origin: germline.
Comment: The p.F27I variant (also known as c.79T>A), located in coding exon 2 of the NPAT gene, results from a T to A substitution at nucleotide position 79. The phenylalanine at codon 27 is replaced by isoleucine, an amino acid with highly similar properties. This amino acid position is conserved. In addition, this alteration is predicted to be deleterious by in silico analysis. Since supporting evidence is limited at this time, the clinical significance of this alteration remains unclear.